The following is an entry in ClinVar:

ClinVar aggregate classification (germline): Conflicting classifications of pathogenicity. Review status: criteria provided, conflicting classifications (1 of 4 stars). 8 submissions from 8 submitters: Uncertain significance (5); Likely benign (1). 2 of the submissions do not count toward it. Last evaluated 2026-02-11.

Conditions:
FANCA-related disorder. Also called: FANCA-related condition.
Inborn genetic diseases. Identifiers: MedGen C0950123, MeSH D030342.
Fanconi anemia (FA). Also called: Fanconi's anemia. Identifiers: Orphanet 84, MedGen C0015625, MeSH D005199, MONDO:0019391.
Fanconi anemia complementation group A (FANCA). Also called: Fanconi anemia, group A; FANCA-Related Fanconi Anemia. Identifiers: Orphanet 84, MedGen C3469521, MONDO:0009215, OMIM 227650.

Allele frequency attached by ClinVar (database versions not stated): 1000 Genomes Project 0.00020; gnomAD 0.00022; 1000 Genomes Project 30x 0.00031; TOPMed 0.00033.
gnomAD v4.1: 52 of 1,612,888 alleles (0.0032%); highest among the groups gnomAD compares: African/African-American, 0.068%; 1 homozygote.

Submissions (8):

St. Jude Molecular Pathology, St. Jude Children's Research Hospital
Classification: Uncertain significance for Fanconi anemia complementation group A. Last evaluated: 2026-02-11. Review status: criteria provided, single submitter. Criteria: St. Jude Assertion Criteria 2020. Collection method: clinical testing. Allele origin: germline.
Comment: The FANCA c.1871C>G p.(Ala624Gly) missense change has a maximum subpopulation frequency of 0.07% in gnomAD v2.1.1. The in silico tool REVEL is inconclusive about a pathogenic or benign effect of this variant on protein function, and to our knowledge functional studies have not been performed. To our knowledge, this variant has not been reported in individuals with Fanconi anemia. In summary, the evidence currently available is insufficient to determine the clinical significance of this variant. It has therefore been classified as of uncertain significance.

Labcorp Genetics (formerly Invitae), Labcorp
Classification: Likely benign for Fanconi anemia. Last evaluated: 2025-12-16. Review status: criteria provided, single submitter. Criteria: Invitae Variant Classification Sherloc (09022015). Collection method: clinical testing. Allele origin: germline.

Ambry Genetics
Classification: Uncertain significance for Inborn genetic diseases. Last evaluated: 2024-10-04. Review status: criteria provided, single submitter. Criteria: Ambry Variant Classification Scheme 2023. Collection method: clinical testing. Allele origin: germline.
Comment: The p.A624G variant (also known as c.1871C>G), located in coding exon 21 of the FANCA gene, results from a C to G substitution at nucleotide position 1871. The alanine at codon 624 is replaced by glycine, an amino acid with similar properties. This amino acid position is conserved. In addition, this alteration is predicted to be tolerated by in silico analysis. Based on the available evidence, the clinical significance of this variant remains unclear.

Quest Diagnostics Nichols Institute San Juan Capistrano
Classification: Uncertain significance. Last evaluated: 2024-02-05. Review status: criteria provided, single submitter. Criteria: Quest Diagnostics criteria. Collection method: clinical testing. Allele origin: unknown.
Comment: The FANCA c.1871C>G (p.Ala624Gly) variant has not been reported in individuals with FANCA-related conditions in the published literature. The frequency of this variant in the general population, 0.00073 (18/24760 chromosomes (Genome Aggregation Database)), is uninformative in the assessment of its pathogenicity. Analysis of this variant using bioinformatics tools for the prediction of the effect of amino acid changes on protein structure and function yielded predictions that this variant is damaging. Based on the available information, we are unable to determine the clinical significance of this variant.

GeneDx
Classification: Uncertain significance. Last evaluated: 2022-10-08. Review status: criteria provided, single submitter. Criteria: GeneDx Variant Classification Process June 2021. Collection method: clinical testing. Allele origin: germline. Affected: yes.
Comment: In silico analysis supports that this missense variant has a deleterious effect on protein structure/function; Has not been previously published as pathogenic or benign to our knowledge

Fulgent Genetics
Classification: Uncertain significance for Fanconi anemia complementation group A. Last evaluated: 2022-03-29. Review status: criteria provided, single submitter. Criteria: ACMG Guidelines, 2015. Collection method: clinical testing. Allele origin: unknown.

PreventionGenetics, part of Exact Sciences
Classification: Uncertain significance for FANCA-related condition. Last evaluated: 2024-04-10. Review status: no assertion criteria provided. Collection method: clinical testing. Allele origin: germline. Not counted in ClinVar's aggregate classification.
Comment: The FANCA c.1871C>G variant is predicted to result in the amino acid substitution p.Ala624Gly. To our knowledge, this variant has not been reported in the literature. This variant is reported in 0.073% of alleles in individuals of African descent in gnomAD, which is more common than expected for an undocumented cause of disease. Although we suspect that this variant may be benign, at this time, the clinical significance is uncertain due to the absence of conclusive functional and genetic evidence.

Natera, Inc.
Classification: Uncertain significance for Fanconi anemia. Last evaluated: 2019-10-28. Review status: no assertion criteria provided. Collection method: clinical testing. Allele origin: germline. Not counted in ClinVar's aggregate classification.

NM_000135.4(FANCA):c.1871C>G (p.Ala624Gly)

Gene: FANCA (FA complementation group A; minus strand). Cytogenetic location: 16q24.3.
Variant type: single nucleotide variant.
Coding change: c.1871C>G on transcript NM_000135.4 (MANE Select); coding-DNA position 1871, C replaced by G.
Protein change: p.Ala624Gly; replaces alanine 624 with glycine.
Molecular consequence: missense variant.
Genome position (GRCh38, 1-based): chr16:89,775,771, G>C on the plus strand (C>G on the coding strand, the complement: FANCA is on the minus strand). VCF-style: chr16-89775771-G-C. GRCh37 (hg19) VCF-style: chr16-89842179-G-C.
Other names: c.1871C>G (NM_000135.3, LRG_495t1); c.1871C>G, p.Ala624Gly (NM_001286167.3); short protein forms A624G.
Identifiers: ClinVar variation 456087 (VCV000456087.17), dbSNP rs146491000, ClinGen allele CA8251997.